The following is an entry in ClinVar:

NM_014053.4(FLVCR1):c.1093-1G>A

Gene: FLVCR1 (FLVCR heme transporter 1; plus strand). Cytogenetic location: 1q32.3.
Variant type: single nucleotide variant.
Coding change: c.1093-1G>A on transcript NM_014053.4 (MANE Select); the canonical splice acceptor site of the intron before coding-DNA position 1093, G replaced by A.
Molecular consequence: splice acceptor variant.
Genome position (GRCh38, 1-based): chr1:212,885,292, G>A. VCF-style: chr1-212885292-G-A. GRCh37 (hg19) VCF-style: chr1-213058634-G-A.
Identifiers: ClinVar variation 379610 (VCV000379610.2), dbSNP rs1057520666, ClinGen allele CA16603563.

ClinVar aggregate classification (germline): Pathogenic (1 of 4 stars; one submission).

Submission:

GeneDx
Classification: Pathogenic. Last evaluated: 2015-04-24. Review status: criteria provided, single submitter. Criteria: GeneDx Variant Classification (06012015). Collection method: clinical testing. Allele origin: germline. Affected: yes.
Comment: The c.1903-1G>A has not been reported previously as a pathogenic variant nor as a benignpolymorphism, to our knowledge. This splice site variant destroys the canonical splice acceptor site inintron 4. It is predicted to cause abnormal gene splicing, either leading to an abnormal message that issubject to nonsense-mediated mRNA decay, or to an abnormal protein product if the message is used forprotein translation. The c.1903-1G>A variant was not observed in approximately 6500 individuals ofEuropean and African American ancestry in the NHLBI Exome Sequencing Project, indicating it is not acommon benign variant in these populations. We interpret c.1903-1G>A as a pathogenic variant.